The following is an entry in ClinVar:

ClinVar aggregate classification (germline): Uncertain significance (1 of 4 stars; one submission).

Submission:

Labcorp Genetics (formerly Invitae), Labcorp
Classification: Uncertain significance. Last evaluated: 2020-09-18. Review status: criteria provided, single submitter. Criteria: Invitae Variant Classification Sherloc (09022015). Collection method: clinical testing. Allele origin: germline.
Comment: In summary, the available evidence is currently insufficient to determine the role of this variant in disease. Therefore, it has been classified as a Variant of Uncertain Significance. Algorithms developed to predict the effect of missense changes on protein structure and function (SIFT, PolyPhen-2, Align-GVGD) all suggest that this variant is likely to be tolerated, but these predictions have not been confirmed by published functional studies and their clinical significance is uncertain. This variant has not been reported in the literature in individuals with ZNF408-related conditions. This variant is not present in population databases (ExAC no frequency). This sequence change replaces methionine with isoleucine at codon 718 of the ZNF408 protein (p.Met718Ile). The methionine residue is weakly conserved and there is a small physicochemical difference between methionine and isoleucine.

NM_024741.3(ZNF408):c.2154G>A (p.Met718Ile)

Gene: ZNF408 (zinc finger protein 408; plus strand). Cytogenetic location: 11p11.2.
Variant type: single nucleotide variant.
Coding change: c.2154G>A on transcript NM_024741.3 (MANE Select); coding-DNA position 2154, G replaced by A.
Protein change: p.Met718Ile; replaces methionine 718 with isoleucine.
Molecular consequence: missense variant.
Genome position (GRCh38, 1-based): chr11:46,705,854, G>A. VCF-style: chr11-46705854-G-A. GRCh37 (hg19) VCF-style: chr11-46727404-G-A.
Other names: c.2130G>A, p.Met710Ile (NM_001184751.2); short protein forms M710I, M718I.
Identifiers: ClinVar variation 1059803 (VCV001059803.9), dbSNP rs2134512135, ClinGen allele CA380258300.